The following is an entry in ClinVar:

NM_000434.4(NEU1):c.432C>T (p.Ser144=)

Gene: NEU1 (neuraminidase 1; minus strand). Cytogenetic location: 6p21.33.
Variant type: single nucleotide variant.
Coding change: c.432C>T on transcript NM_000434.4 (MANE Select); coding-DNA position 432, C replaced by T.
Protein change: p.Ser144=; no amino-acid change (serine 144 retained).
Molecular consequence: synonymous variant.
Genome position (GRCh38, 1-based): chr6:31,861,371, G>A on the plus strand (C>T on the coding strand, the complement: NEU1 is on the minus strand). VCF-style: chr6-31861371-G-A. GRCh37 (hg19) VCF-style: chr6-31829148-G-A.
Other names: p.Ser144=.
Identifiers: ClinVar variation 716691 (VCV000716691.39), dbSNP rs114405905, ClinGen allele CA3725030.

ClinVar aggregate classification (germline): Conflicting classifications of pathogenicity. Review status: criteria provided, conflicting classifications (1 of 4 stars). 4 submissions from 4 submitters: Uncertain significance (3); Likely benign (1). Last evaluated 2026-02-01.

Conditions:
Sialidosis type 2. Also called: GLYCOPROTEIN NEURAMINIDASE DEFICIENCY; LIPOMUCOPOLYSACCHARIDOSIS; ML I; NEU DEFICIENCY; NEUG DEFICIENCY; NEURAMINIDASE 1 DEFICIENCY. Identifiers: Orphanet 812, Orphanet 87876, MedGen C4282398, MONDO:0009738, OMIM 256550.

Allele frequency attached by ClinVar (database versions not stated): gnomAD exomes 0.00010 and 0.00018; 1000 Genomes Project 30x 0.00016; 1000 Genomes Project 0.00020; ExAC 0.00024; ESP Exome Variant Server 0.00059; gnomAD 0.00082 and 0.00089; TOPMed 0.00090.
gnomAD v4.1: 276 of 1,612,922 alleles (0.017%); highest among the groups gnomAD compares: Middle Eastern, 0.4%; no homozygotes.

Submissions (4):

CeGaT Center for Human Genetics Tuebingen
Classification: Uncertain significance. Last evaluated: 2026-02-01. Review status: criteria provided, single submitter. Criteria: CeGaT Center For Human Genetics Tuebingen Variant Classification Criteria Version 2. Collection method: clinical testing. Allele origin: germline. Affected: yes. Observed: 2 variant alleles.
Comment: NEU1: PM2:Supporting

Labcorp Genetics (formerly Invitae), Labcorp
Classification: Likely benign. Last evaluated: 2026-01-27. Review status: criteria provided, single submitter. Criteria: Invitae Variant Classification Sherloc (09022015). Collection method: clinical testing. Allele origin: germline.

Mayo Clinic Laboratories, Mayo Clinic
Classification: Uncertain significance. Last evaluated: 2023-11-21. Review status: criteria provided, single submitter. Criteria: ACMG Guidelines, 2015. Collection method: clinical testing. Allele origin: germline. Observed: 5 variant alleles.
Comment: BS1

Illumina Laboratory Services, Illumina
Classification: Uncertain significance for Sialidosis type 2. Last evaluated: 2017-04-27. Review status: criteria provided, single submitter. Criteria: ICSL Variant Classification Criteria 13 December 2019. Collection method: clinical testing. Allele origin: germline.
Comment: This variant was observed as part of a predisposition screen in an ostensibly healthy population. A literature search was performed for the gene, cDNA change, and amino acid change (where applicable). Publications were found based on this search. However, the evidence from the literature, in combination with allele frequency data from public databases where available, was not sufficient to rule this variant in or out of causing disease. Therefore, this variant is classified as a variant of unknown significance.

Literature cited by the submitters: PubMed 25153125 (cited by Mayo Clinic Laboratories, Mayo Clinic and Illumina Laboratory Services, Illumina).